The following is an entry in ClinVar:

NM_001135146.2(SLC39A8):c.274A>C (p.Ile92Leu)

Gene: SLC39A8 (solute carrier family 39 member 8; minus strand). Cytogenetic location: 4q24.
Variant type: single nucleotide variant.
Coding change: c.274A>C on transcript NM_001135146.2 (MANE Select); coding-DNA position 274, A replaced by C.
Protein change: p.Ile92Leu; replaces isoleucine 92 with leucine.
Molecular consequence: missense variant.
Genome position (GRCh38, 1-based): chr4:102,315,776, T>G on the plus strand (A>C on the coding strand, the complement: SLC39A8 is on the minus strand). VCF-style: chr4-102315776-T-G. GRCh37 (hg19) VCF-style: chr4-103236933-T-G.
Other names: c.274A>C, p.Ile92Leu (NM_001135147.1, NM_022154.5); c.73A>C, p.Ile25Leu (NM_001135148.2); short protein forms I25L, I92L.
Identifiers: ClinVar variation 1717728 (VCV001717728.5), dbSNP rs749845336, ClinGen allele CA357755535.

ClinVar aggregate classification (germline): Uncertain significance (1 of 4 stars; one submission).

Submission:

Labcorp Genetics (formerly Invitae), Labcorp
Classification: Uncertain significance. Last evaluated: 2022-08-22. Review status: criteria provided, single submitter. Criteria: Invitae Variant Classification Sherloc (09022015). Collection method: clinical testing. Allele origin: germline.
Comment: Algorithms developed to predict the effect of missense changes on protein structure and function output the following: SIFT: "Tolerated"; PolyPhen-2: "Benign"; Align-GVGD: "Class C0". The leucine amino acid residue is found in multiple mammalian species, which suggests that this missense change does not adversely affect protein function. This sequence change replaces isoleucine, which is neutral and non-polar, with leucine, which is neutral and non-polar, at codon 92 of the SLC39A8 protein (p.Ile92Leu). This variant is not present in population databases (gnomAD no frequency). This variant has not been reported in the literature in individuals affected with SLC39A8-related conditions. In summary, the available evidence is currently insufficient to determine the role of this variant in disease. Therefore, it has been classified as a Variant of Uncertain Significance.